The following is an entry in ClinVar:

ClinVar aggregate classification (germline): Likely pathogenic (1 of 4 stars; one submission).

Conditions:
Diabetes mellitus, permanent neonatal 3. Also called: ABCC8-Related Permanent Neonatal Diabetes Mellitus. Identifiers: MedGen C5394303, MONDO:0030088, OMIM 618857.

Submission:

Juno Genomics, Hangzhou Juno Genomics, Inc
Classification: Likely pathogenic for Diabetes mellitus, permanent neonatal 3. Review status: criteria provided, single submitter. Criteria: ACMG Guidelines, 2015. Collection method: clinical testing. Allele origin: germline.
Comment: Null variant in a gene where loss of function (LOF) is a known mechanism of disease.;Absent from controls (or at extremely low frequency if recessive) in Genome Aggregation Database.

NM_000352.6(ABCC8):c.1423_1424dup (p.Phe476fs)

Gene: ABCC8 (ATP binding cassette subfamily C member 8; minus strand). Cytogenetic location: 11p15.1.
Variant type: Duplication.
Coding change: c.1423_1424dup on transcript NM_000352.6 (MANE Select); coding-DNA positions 1423 to 1424, 2 bases duplicated (TA; older notation c.1423_1424dupTA).
Protein change: p.Phe476fs; shifts the reading frame from phenylalanine 476.
Molecular consequence: frameshift variant. On other transcripts: non-coding transcript variant (1).
Genome position (GRCh38, 1-based): chr11:17,443,221-17,443,222, TA duplicated on the plus strand (TA on the coding strand, the reverse complement: ABCC8 is on the minus strand). VCF-style (leftmost placement, unchanged base first): chr11-17443220-G-GTA. GRCh37 (hg19) VCF-style: chr11-17464767-G-GTA.
Other names: c.1423_1424dup, p.Phe476fs (NM_001287174.3, NM_001351295.2); c.1420_1421dup, p.Phe475fs (NM_001351296.2, NM_001351297.2); short protein forms F476fs, F475fs.
Identifiers: ClinVar variation 5007827 (VCV005007827.2).